The following is an entry in ClinVar:

NM_001178015.2(SLC4A10):c.2873G>A (p.Arg958Lys)

Gene: SLC4A10 (solute carrier family 4 member 10; plus strand). Cytogenetic location: 2q24.2.
Variant type: single nucleotide variant.
Coding change: c.2873G>A on transcript NM_001178015.2 (MANE Select); coding-DNA position 2873, G replaced by A.
Protein change: p.Arg958Lys; replaces arginine 958 with lysine.
Molecular consequence: missense variant.
Genome position (GRCh38, 1-based): chr2:161,964,145, G>A. VCF-style: chr2-161964145-G-A. GRCh37 (hg19) VCF-style: chr2-162820655-G-A.
Other names: c.2816G>A, p.Arg939Lys (NM_001178016.2, NM_001354445.2); c.2873G>A, p.Arg958Lys (NM_001354440.2); c.2906G>A, p.Arg969Lys (NM_001354441.2, NM_001354442.2); c.2819G>A, p.Arg940Lys (NM_001354443.2, NM_001354447.2); c.2870G>A, p.Arg957Lys (NM_001354444.2); c.2783G>A, p.Arg928Lys (NM_001354446.2, NM_001354450.2, NM_022058.4); c.2813G>A, p.Arg938Lys (NM_001354448.2); c.2780G>A, p.Arg927Lys (NM_001354449.2, NM_001354451.2); and 3 more; short protein forms R735K, R879K, R927K, R928K, R938K, R939K, R940K, R957K.
Identifiers: ClinVar variation 2574729 (VCV002574729.1), dbSNP rs1283303387, ClinGen allele CA348984319.
Genomic context (GRCh38, chr2:161,964,145, plus strand): 5'-TTTATTGTTGTCTTACACCTAAAAACAATTTAGTCTGTTTAATCTTTTAGTTCTTTGATA[G>A]GATAAAGCTCTTCTGGATGCCGGCAAAACATCAACCAGATTTTATATACCTAAGGCACGT-3'
Protein context (NP_001171486.1, residues 948-968): SSLKGIQFFD[Arg958Lys]IKLFWMPAKH

ClinVar aggregate classification (germline): Uncertain significance (1 of 4 stars; one submission).

Allele frequency attached by ClinVar (database versions not stated): gnomAD exomes below 0.00001; TOPMed below 0.00001.
gnomAD v4.1: 2 of 1,607,554 alleles (0.00012%); highest among the groups gnomAD compares: Non-Finnish European, 0.000085%; no homozygotes.

Submission:

GeneDx
Classification: Uncertain significance. Last evaluated: 2022-02-10. Review status: criteria provided, single submitter. Criteria: GeneDx Variant Classification Process June 2021. Collection method: clinical testing. Allele origin: germline. Affected: yes.
Comment: Not observed at significant frequency in large population cohorts (gnomAD); In silico analysis supports that this missense variant does not alter protein structure/function; Has not been previously published as pathogenic or benign to our knowledge; Variants in candidate genes are classified as variants of uncertain significance in accordance with ACMG guidelines (Richards et al., 2015)